The following is an entry in ClinVar:

NM_000038.6(APC):c.1016G>A (p.Ser339Asn)

Gene: APC (APC regulator of Wnt signaling pathway; plus strand). Cytogenetic location: 5q22.2.
Variant type: single nucleotide variant.
Coding change: c.1016G>A on transcript NM_000038.6 (MANE Select); coding-DNA position 1016, G replaced by A.
Protein change: p.Ser339Asn; replaces serine 339 with asparagine.
Molecular consequence: missense variant. On other transcripts: intron variant (4).
Genome position (GRCh38, 1-based): chr5:112,819,048, G>A. VCF-style: chr5-112819048-G-A. GRCh37 (hg19) VCF-style: chr5-112154745-G-A.
Other names: c.1016G>A, p.Ser339Asn (NM_001127510.3, NM_001354895.2, NM_001354896.2); c.962G>A, p.Ser321Asn (NM_001127511.3); c.1046G>A, p.Ser349Asn (NM_001354897.2); c.941G>A, p.Ser314Asn (NM_001354898.2); c.932G>A, p.Ser311Asn (NM_001354899.2); c.839G>A, p.Ser280Asn (NM_001354900.2, NM_001354901.2); c.167G>A, p.Ser56Asn (NM_001354906.2); c.964-221G>A (NM_001354902.2); and 3 more; short protein forms S321N, S339N, S349N, S311N, S56N, S280N, S314N.
Identifiers: ClinVar variation 537421 (VCV000537421.10), dbSNP rs1554079972, ClinGen allele CA16023532.
Genomic context (GRCh38, chr5:112,819,048, plus strand): 5'-TGTCAATGCTTGGTACTCATGATAAGGATGATATGTCGCGAACTTTGCTAGCTATGTCTA[G>A]CTCCCAAGACAGCTGTATATCCATGCGACAGTCTGGATGTCTTCCTCTCCTCATCCAGCT-3'
Protein context (NP_000029.2, residues 329-349): DMSRTLLAMS[Ser339Asn]SQDSCISMRQ

ClinVar aggregate classification (germline): Uncertain significance (1 of 4 stars; one submission).

Conditions:
Familial adenomatous polyposis 1 (FAP1). Also called: FAMILIAL ADENOMATOUS POLYPOSIS 1, ATTENUATED; POLYPOSIS, ADENOMATOUS INTESTINAL. Identifiers: MedGen C2713442, MONDO:0021056, OMIM 175100. Disease mechanism: loss of function.

Submission:

Labcorp Genetics (formerly Invitae), Labcorp
Classification: Uncertain significance for Familial adenomatous polyposis 1. Last evaluated: 2017-11-01. Review status: criteria provided, single submitter. Criteria: Invitae Variant Classification Sherloc (09022015). Collection method: clinical testing. Allele origin: germline.
Comment: In summary, the available evidence is currently insufficient to determine the role of this variant in disease. Therefore, it has been classified as a Variant of Uncertain Significance. Algorithms developed to predict the effect of missense changes on protein structure and function (SIFT, PolyPhen-2, Align-GVGD) all suggest that this variant is likely to be tolerated, but these predictions have not been confirmed by published functional studies and their clinical significance is uncertain. This variant has not been reported in the literature in individuals with APC-related disease. This variant is not present in population databases (ExAC no frequency). This sequence change replaces serine with asparagine at codon 339 of the APC protein (p.Ser339Asn). The serine residue is highly conserved and there is a small physicochemical difference between serine and asparagine.